The following is an entry in ClinVar:

NM_001042492.3(NF1):c.2683A>G (p.Met895Val)

Gene: NF1 (neurofibromin 1; plus strand). Cytogenetic location: 17q11.2.
Variant type: single nucleotide variant.
Coding change: c.2683A>G on transcript NM_001042492.3 (MANE Select); coding-DNA position 2683, A replaced by G.
Protein change: p.Met895Val; replaces methionine 895 with valine.
Molecular consequence: missense variant.
Genome position (GRCh38, 1-based): chr17:31,229,298, A>G. VCF-style: chr17-31229298-A-G. GRCh37 (hg19) VCF-style: chr17-29556316-A-G.
Other names: c.2683A>G, p.Met895Val (NM_000267.4); short protein forms M895V.
Identifiers: ClinVar variation 231389 (VCV000231389.12), dbSNP rs876659129, ClinGen allele CA10580262.

ClinVar aggregate classification (germline): Conflicting classifications of pathogenicity. Review status: criteria provided, conflicting classifications (1 of 4 stars). 5 submissions from 4 submitters: Uncertain significance (4); Benign (1). Last evaluated 2026-01-26.

Conditions:
Cardiovascular phenotype. Identifiers: MedGen CN230736.
Hereditary cancer-predisposing syndrome. Also called: Tumor predisposition; Hereditary neoplastic syndrome; Hereditary Cancer Syndrome; Neoplastic Syndromes, Hereditary. Identifiers: Orphanet 140162, MedGen C0027672, MeSH D009386, MONDO:0015356.
Neurofibromatosis, type 1 (NF1). Also called: VON RECKLINGHAUSEN DISEASE; Peripheral type neurofibromatosis; NEUROFIBROMATOSIS, TYPE I, SOMATIC; Neurofibromatosis, type I. Identifiers: Orphanet 636, MedGen C0027831, MONDO:0018975, OMIM 162200. Disease mechanism: loss of function.

Submissions (5):

Labcorp Genetics (formerly Invitae), Labcorp
Classification: Benign for Neurofibromatosis, type 1. Last evaluated: 2026-01-26. Review status: criteria provided, single submitter. Criteria: Invitae Variant Classification Sherloc (09022015). Collection method: clinical testing. Allele origin: germline.

Dasa
Classification: Uncertain significance. Last evaluated: 2024-12-27. Review status: criteria provided, single submitter. Criteria: DASA Assertion Criteria. Collection method: clinical testing. Allele origin: germline.
Comment: NM_001042492.3(NF1):c.2683A>G (p.Met895Val) is a missense variant that results in the substitution of methionine with valine. This variant is absent from population databases. Computational prediction algorithms are consistent with a benign effect. The currently available literature and clinical evidence are not sufficient to establish a definitive association between this variant and the reported condition. Therefore, this variant is classified as a variant of uncertain significance.

Genome-Nilou Lab
Classification: Uncertain significance for Neurofibromatosis, type 1. Last evaluated: 2022-03-15. Review status: criteria provided, single submitter. Criteria: ACMG Guidelines, 2015. Collection method: clinical testing. Allele origin: germline. Affected: no.

Ambry Genetics
Classification: Uncertain significance for Cardiovascular phenotype; Hereditary cancer-predisposing syndrome. Last evaluated: 2017-09-19. Review status: criteria provided, single submitter. Criteria: Ambry Variant Classification Scheme 2023. Collection method: clinical testing. Allele origin: germline.

Ambry Genetics
Classification: Uncertain significance for Hereditary cancer-predisposing syndrome. Last evaluated: 2015-04-21. Review status: criteria provided, single submitter. Criteria: Ambry Autosomal Dominant and X-Linked criteria (10/2015). Collection method: clinical testing. Allele origin: germline. Observed: 1 variant allele.
Comment: The p.M895V variant (also known as c.2683A>G), located in coding exon 21 of the NF1 gene, results from an A to G substitution at nucleotide position 2683. The methionine at codon 895 is replaced by valine, an amino acid with highly similar properties. This variant was not reported in population based cohorts in the following databases: Database of Single Nucleotide Polymorphisms (dbSNP), NHLBI Exome Sequencing Project (ESP), and 1000 Genomes Project. In the ESP, this variant was not observed in 6503 samples (13006 alleles) with coverage at this position. To date, this alteration has been detected with an allele frequency of approximately 0.002% (greater than 55000alleles tested) in our clinical cohort.This amino acid position is not well conserved in available vertebrate species. In addition, the in silico prediction for this alteration is inconclusive.Since supporting evidence is limited at this time, the clinical significance of p.M895Vremains unclear.